The following is an entry in ClinVar:

ClinVar aggregate classification (germline): Benign. Review status: criteria provided, multiple submitters, no conflicts (2 of 4 stars). 6 submissions from 6 submitters: Benign (5). 1 of the submissions does not count toward it. Last evaluated 2026-01-26.

Conditions:
CLPB-related disorder. Also called: CLPB-related condition.
3-methylglutaconic aciduria, type VIIB (MGCA7B). Also called: 3-methylglutaconic aciduria with cataracts, neurologic involvement and neutropenia; CLPB Deficiency; 3-methylglutaconic aciduria, type VII, with cataracts, neurologic involvement and neutropenia. Identifiers: Orphanet 445038, MedGen C5676893, MONDO:0014561, OMIM 616271.

Allele frequency attached by ClinVar (database versions not stated): gnomAD exomes 0.00185 and 0.00463; ExAC 0.00567; 1000 Genomes Project 0.01817; gnomAD 0.01850 and 0.02006; 1000 Genomes Project 30x 0.01952; ESP Exome Variant Server 0.02079; TOPMed 0.02122.
gnomAD v4.1: 5,609 of 1,614,108 alleles (0.35%); highest among the groups gnomAD compares: African/African-American, 6.7%; 185 homozygotes.

Submissions (6):

Labcorp Genetics (formerly Invitae), Labcorp
Classification: Benign for 3-methylglutaconic aciduria, type VIIB. Last evaluated: 2026-01-26. Review status: criteria provided, single submitter. Criteria: Invitae Variant Classification Sherloc (09022015). Collection method: clinical testing. Allele origin: germline.

Women's Health and Genetics/Laboratory Corporation of America, LabCorp
Classification: Benign. Last evaluated: 2026-01-22. Review status: criteria provided, single submitter. Criteria: LabCorp Variant Classification Summary - May 2015. Collection method: clinical testing. Allele origin: germline.

Mayo Clinic Laboratories, Mayo Clinic
Classification: Benign. Last evaluated: 2024-01-07. Review status: criteria provided, single submitter. Criteria: ACMG Guidelines, 2015. Collection method: clinical testing. Allele origin: germline. Observed: 18 variant alleles.

GeneDx
Classification: Benign. Last evaluated: 2016-02-17. Review status: criteria provided, single submitter. Criteria: GeneDx Variant Classification (06012015). Collection method: clinical testing. Allele origin: germline. Affected: yes.
Comment: This variant is considered likely benign or benign based on one or more of the following criteria: it is a conservative change, it occurs at a poorly conserved position in the protein, it is predicted to be benign by multiple in silico algorithms, and/or has population frequency not consistent with disease.

Breakthrough Genomics
Classification: Benign. Review status: criteria provided, single submitter. Criteria: ACMG Guidelines, 2015. Collection method: not provided. Allele origin: germline. Inheritance: Autosomal recessive inheritance. Affected: yes.

PreventionGenetics, part of Exact Sciences
Classification: Benign for CLPB-related condition. Last evaluated: 2019-12-23. Review status: no assertion criteria provided. Collection method: clinical testing. Allele origin: germline. Not counted in ClinVar's aggregate classification.
Comment: This variant is classified as benign based on ACMG/AMP sequence variant interpretation guidelines (Richards et al. 2015 PMID: 25741868, with internal and published modifications).

NM_001258392.3(CLPB):c.1860C>T (p.Arg620=)

Gene: CLPB (ClpB family mitochondrial disaggregase; minus strand). Cytogenetic location: 11q13.4.
Variant type: single nucleotide variant.
Coding change: c.1860C>T on transcript NM_001258392.3 (MANE Select); coding-DNA position 1860, C replaced by T.
Protein change: p.Arg620=; no amino-acid change (arginine 620 retained).
Molecular consequence: synonymous variant.
Genome position (GRCh38, 1-based): chr11:72,293,541, G>A on the plus strand (C>T on the coding strand, the complement: CLPB is on the minus strand). VCF-style: chr11-72293541-G-A. GRCh37 (hg19) VCF-style: chr11-72004585-G-A.
Other names: p.Arg650=; c.1773C>T, p.Arg591= (NM_001258393.3); c.1815C>T, p.Arg605= (NM_001258394.3); c.1950C>T, p.Arg650= (NM_030813.6).
Identifiers: ClinVar variation 380519 (VCV000380519.17), dbSNP rs35401939, ClinGen allele CA6171005.
Genomic context (GRCh38, chr11:72,293,541, plus strand): 5'-CTGGGGTGAGGGCAGTTCTGGGCTTTTGAGTAGCTGCTTGTCTGAGTCCTCCACCGTGAT[G>A]CGCAAAGTACAGCCCCCTGGCAGCAGGTCCTGCTCATAGGCTGCTGCCAGCTGGTTCACC-3'
Protein context (NP_001245321.1, residues 610-630): QDLLPGGCTL[Arg620=]ITVEDSDKQL